The following is an entry in ClinVar:

NM_000237.3(LPL):c.914G>C (p.Cys305Ser)

Gene: LPL (lipoprotein lipase; plus strand). Cytogenetic location: 8p21.3.
Variant type: single nucleotide variant.
Coding change: c.914G>C on transcript NM_000237.3 (MANE Select); coding-DNA position 914, G replaced by C.
Protein change: p.Cys305Ser; replaces cysteine 305 with serine.
Molecular consequence: missense variant.
Genome position (GRCh38, 1-based): chr8:19,955,979, G>C. VCF-style: chr8-19955979-G-C. GRCh37 (hg19) VCF-style: chr8-19813490-G-C.
Other names: short protein forms C305S.
Identifiers: ClinVar variation 1765969 (VCV001765969.4), dbSNP rs2540107214, ClinGen allele CA370469233.
Genomic context (GRCh38, chr8:19,955,979, plus strand): 5'-CAAGTAAGGCCTACAGGTGCAGTTCCAAGGAAGCCTTTGAGAAAGGGCTCTGCTTGAGTT[G>C]TAGAAAGAACCGCTGCAACAATCTGGGCTATGAGATCAATAAAGTCAGAGCCAAAAGAAG-3'
Protein context (NP_000228.1, residues 295-315): EAFEKGLCLS[Cys305Ser]RKNRCNNLGY

ClinVar aggregate classification (germline): Conflicting classifications of pathogenicity. Review status: criteria provided, conflicting classifications (1 of 4 stars). 2 submissions from 2 submitters: Likely pathogenic (1); Uncertain significance (1). Last evaluated 2023-05-12.

Conditions:
Cardiovascular phenotype. Identifiers: MedGen CN230736.
Hyperlipidemia, familial combined, LPL related (FCHL3). Also called: Hyperapobetalipoproteinemia. Identifiers: MedGen C0020474, MONDO:0007759, OMIM 144250, HP:0008158.

Submissions (2):

Institute of Human Genetics, University of Leipzig Medical Center
Classification: Likely pathogenic for Hyperlipidemia, familial combined, LPL related. Last evaluated: 2023-05-12. Review status: criteria provided, single submitter. Criteria: ACMG Guidelines, 2015. Collection method: clinical testing. Allele origin: unknown. Inheritance: Autosomal dominant inheritance. Affected: yes.
Comment: Criteria applied: PM1,PM5,PM2_SUP,PP3

Ambry Genetics
Classification: Uncertain significance for Cardiovascular phenotype. Last evaluated: 2022-06-02. Review status: criteria provided, single submitter. Criteria: Ambry Variant Classification Scheme 2023. Collection method: clinical testing. Allele origin: germline.
Comment: The p.C305S variant (also known as c.914G>C), located in coding exon 6 of the LPL gene, results from a G to C substitution at nucleotide position 914. The cysteine at codon 305 is replaced by serine, an amino acid with dissimilar properties. This amino acid position is highly conserved in available vertebrate species. In addition, this alteration is predicted to be deleterious by in silico analysis. Since supporting evidence is limited at this time, the clinical significance of this alteration remains unclear.